The following is an entry in ClinVar:

NM_022124.6(CDH23):c.1394ACA[1] (p.Asn466del)

Gene: CDH23 (cadherin related 23; plus strand). Cytogenetic location: 10q22.1.
Variant type: Microsatellite.
Coding change: c.1394ACA[1] on transcript NM_022124.6 (MANE Select); one copy of the 3-base unit ACA starting at c.1394; the reference has two copies in a row; one copy, 3 bases deleted.
Protein change: p.Asn466del; deletes asparagine 466.
Genome position (GRCh38, 1-based): chr10:71,646,565-71,646,567, ACA deleted; deleting any 3 consecutive bases within chr10:71,646,562-71,646,567 gives the same sequence; the position shown is the placement nearest the transcript's 3' end. VCF-style (leftmost placement, unchanged base first): chr10-71646561-TACA-T. GRCh37 (hg19) VCF-style: chr10-73406318-TACA-T.
Other names: c.1394ACA[1], p.Asn466del (NM_001171930.2, NM_001171931.2, NM_052836.4); short protein forms N466del.
Identifiers: ClinVar variation 3373601 (VCV003373601.1).

ClinVar aggregate classification (germline): Uncertain significance (1 of 4 stars; one submission).

Submission:

GeneDx
Classification: Uncertain significance. Last evaluated: 2024-03-09. Review status: criteria provided, single submitter. Criteria: GeneDx Variant Classification Process June 2021. Collection method: clinical testing. Allele origin: germline. Affected: yes.
Comment: Not observed at significant frequency in large population cohorts (gnomAD); In-frame deletion of 1 amino acid in a non-repeat region; In silico analysis supports a deleterious effect on protein structure/function; Has not been previously published as pathogenic or benign to our knowledge